The following is an entry in ClinVar:

NM_001009944.3(PKD1):c.6299C>T (p.Ser2100Leu)

Gene: PKD1 (polycystin 1, transient receptor potential channel interacting; minus strand). Cytogenetic location: 16p13.3.
Variant type: single nucleotide variant.
Coding change: c.6299C>T on transcript NM_001009944.3 (MANE Select); coding-DNA position 6299, C replaced by T.
Protein change: p.Ser2100Leu; replaces serine 2100 with leucine.
Molecular consequence: missense variant.
Genome position (GRCh38, 1-based): chr16:2,108,868, G>A on the plus strand (C>T on the coding strand, the complement: PKD1 is on the minus strand). VCF-style: chr16-2108868-G-A. GRCh37 (hg19) VCF-style: chr16-2158869-G-A.
Other names: c.6299C>T, p.Ser2100Leu (NM_000296.4); short protein forms S2100L.
Identifiers: ClinVar variation 2634860 (VCV002634860.1), dbSNP rs539793378, ClinGen allele CA7831644.
Genomic context (GRCh38, chr16:2,108,868, plus strand): 5'-TAGTCCCCAGGCCTCAGGTAGGAGTGCTCGGCCCTGGGCTCATCTGTGTCCTGCCCTGGC[G>A]ACCCATCCCCAAAGTCCCAGTGGTAGGCCACACGCCGGGGGCTGGGGCTGGTGGCGGCCT-3'
Protein context (NP_001009944.3, residues 2090-2110): VAYHWDFGDG[Ser2100Leu]PGQDTDEPRA

ClinVar aggregate classification (germline): Uncertain significance (1 of 4 stars; one submission).

Conditions:
PKD1-related disorder. Also called: PKD1-related condition.

Allele frequency attached by ClinVar (database versions not stated): gnomAD 0.00005; TOPMed 0.00006; 1000 Genomes Project 0.00020; 1000 Genomes Project 30x 0.00031; ExAC 0.00032.
gnomAD v4.1: 85 of 1,577,412 alleles (0.0054%); highest among the groups gnomAD compares: Middle Eastern, 0.067%; no homozygotes.

Submission:

PreventionGenetics, part of Exact Sciences
Classification: Uncertain significance for PKD1-related condition. Last evaluated: 2022-11-25. Review status: criteria provided, single submitter. Criteria: ACMG Guidelines, 2015. Collection method: clinical testing. Allele origin: germline.
Comment: The PKD1 c.6299C>T variant is predicted to result in the amino acid substitution p.Ser2100Leu. This variant was reported in an individual with polycystic kidney disease (Zacchia et al. 2021. PubMed ID: 33964006). This variant is reported in 0.014% of alleles in individuals of European (Non-Finnish) descent in gnomAD. The p.Ser2100 residue is weakly conserved during evolution. Although we suspect that this variant may be benign, at this time, the clinical significance of this variant is uncertain due to the absence of conclusive functional and genetic evidence.